The following is an entry in ClinVar:

NM_003483.6(HMGA2):c.198+1G>A

Gene: HMGA2 (high mobility group AT-hook 2; plus strand). Cytogenetic location: 12q14.3.
Variant type: single nucleotide variant.
Coding change: c.198+1G>A on transcript NM_003483.6 (MANE Select); the canonical splice donor site of the intron after coding-DNA position 198, G replaced by A.
Molecular consequence: splice donor variant.
Genome position (GRCh38, 1-based): chr12:65,828,088, G>A. VCF-style: chr12-65828088-G-A. GRCh37 (hg19) VCF-style: chr12-66221868-G-A.
Other names: c.198+1G>A (NM_001300918.1, NM_001300919.1, NM_003484.1 and 1 more transcripts).
Identifiers: ClinVar variation 3068509 (VCV003068509.2), dbSNP rs1241586108, ClinGen allele CA385678843.
Genomic context (GRCh38, chr12:65,828,088, plus strand): 5'-AGACCCAGGGGAAGACCCAAAGGCAGCAAAAACAAGAGTCCCTCTAAAGCAGCTCAAAAG[G>A]TGAGATTTCTCAAGTCAAGCTCTCCTAACTTCATCAATGACTGACTACAGGAGCCTGCCT-3'

ClinVar aggregate classification (germline): Uncertain significance (1 of 4 stars; one submission).

Conditions:
Silver-Russell syndrome 5 (SRS5). Identifiers: MedGen C5394456, MONDO:0020795, OMIM 618908.

Allele frequency attached by ClinVar (database versions not stated): gnomAD 0.00001.
gnomAD v4.1: 1 of 1,609,574 alleles (0.000062%); highest among the groups gnomAD compares: Non-Finnish European, 0.000085%; no homozygotes.

Submission:

Center for Human Genetics and Genomic Medicine, Uniklinik Rwth Aachen
Classification: Uncertain significance for Silver-Russell syndrome 5. Last evaluated: 2024-04-10. Review status: criteria provided, single submitter. Criteria: ACMG Guidelines, 2015. Collection method: clinical testing. Allele origin: maternal. Inheritance: Autosomal dominant inheritance. Affected: yes.
Comment: The variant is listed in gnomAD with a frequency of 0.0031867% (1/31380) and listed in the dbSNP under rs1241586108 as of April 2024. The variant is predicted to have a splicing impact. The ACMG criteria are PVS1_strong and PM2. Segregation within the familiy showed that both affected individuals carried the variant.